The following is an entry in ClinVar:

ClinVar aggregate classification (germline): Uncertain significance (1 of 4 stars; one submission).

Conditions:
MHC class II deficiency. Also called: Bare lymphocyte syndrome 2; BLS, TYPE II. Identifiers: Orphanet 572, MedGen C5447452, MONDO:0008855.

Submission:

Labcorp Genetics (formerly Invitae), Labcorp
Classification: Uncertain significance for MHC class II deficiency. Last evaluated: 2019-08-11. Review status: criteria provided, single submitter. Criteria: Invitae Variant Classification Sherloc (09022015). Collection method: clinical testing. Allele origin: germline.
Comment: In summary, the available evidence is currently insufficient to determine the role of this variant in disease. Therefore, it has been classified as a Variant of Uncertain Significance. Algorithms developed to predict the effect of missense changes on protein structure and function output the following: SIFT: "Tolerated"; PolyPhen-2: "Benign"; Align-GVGD: "Class C0". The serine amino acid residue is found in multiple mammalian species, suggesting that this missense change does not adversely affect protein function. These predictions have not been confirmed by published functional studies and their clinical significance is uncertain. This variant has not been reported in the literature in individuals with RFX5-related conditions. This variant is not present in population databases (ExAC no frequency). This sequence change replaces proline with serine at codon 349 of the RFX5 protein (p.Pro349Ser). The proline residue is weakly conserved and there is a moderate physicochemical difference between proline and serine.

NM_001025603.2(RFX5):c.1045C>T (p.Pro349Ser)

Gene: RFX5 (regulatory factor X5; minus strand). Cytogenetic location: 1q21.3.
Variant type: single nucleotide variant.
Coding change: c.1045C>T on transcript NM_001025603.2 (MANE Select); coding-DNA position 1045, C replaced by T.
Protein change: p.Pro349Ser; replaces proline 349 with serine.
Molecular consequence: missense variant.
Genome position (GRCh38, 1-based): chr1:151,342,992, G>A on the plus strand (C>T on the coding strand, the complement: RFX5 is on the minus strand). VCF-style: chr1-151342992-G-A. GRCh37 (hg19) VCF-style: chr1-151315468-G-A.
Other names: c.1045C>T, p.Pro349Ser (NM_000449.4, NM_001379412.1, NM_001379413.1 and 5 more transcripts); c.925C>T, p.Pro309Ser (NM_001379419.1, NM_001379420.1); short protein forms P309S, P349S.
Identifiers: ClinVar variation 959970 (VCV000959970.9), dbSNP rs1650620751, ClinGen allele CA341930129.
Genomic context (GRCh38, chr1:151,342,992, plus strand): 5'-TAGACAGAGGCAGTGTAGCCACTTTCAGGGCACCTGAAGAAAGCCTGGGGGCCAGAATAG[G>A]TGGAGAGACTGGGATTGGCGGAATTAGTGAGCGAGGGGCCCGGGGAAGGAGCAGAGGCAG-3'
Protein context (NP_001020774.1, residues 339-359): SLIPPIPVSP[Pro349Ser]ILAPRLSSGA